The following is an entry in ClinVar:

ClinVar aggregate classification (germline): Uncertain significance (1 of 4 stars; one submission).

Conditions:
Dilated cardiomyopathy 1DD (CMD1DD). Identifiers: Orphanet 154, MedGen C2750995, MONDO:0013168, OMIM 613172.

gnomAD v4.1: 2 of 1,551,342 alleles (0.00013%); highest among the groups gnomAD compares: Non-Finnish European, 0.00017%; no homozygotes.

Submission:

Labcorp Genetics (formerly Invitae), Labcorp
Classification: Uncertain significance for Dilated cardiomyopathy 1DD. Last evaluated: 2024-06-15. Review status: criteria provided, single submitter. Criteria: Invitae Variant Classification Sherloc (09022015). Collection method: clinical testing. Allele origin: germline.
Comment: This sequence change replaces cysteine, which is neutral and slightly polar, with arginine, which is basic and polar, at codon 461 of the RBM20 protein (p.Cys461Arg). This variant is not present in population databases (gnomAD no frequency). This variant has not been reported in the literature in individuals affected with RBM20-related conditions. Advanced modeling of protein sequence and biophysical properties (such as structural, functional, and spatial information, amino acid conservation, physicochemical variation, residue mobility, and thermodynamic stability) performed at Invitae indicates that this missense variant is not expected to disrupt RBM20 protein function with a negative predictive value of 95%. In summary, the available evidence is currently insufficient to determine the role of this variant in disease. Therefore, it has been classified as a Variant of Uncertain Significance.

NM_001134363.3(RBM20):c.1381T>C (p.Cys461Arg)

Gene: RBM20 (RNA binding motif protein 20; plus strand). Cytogenetic location: 10q25.2.
Variant type: single nucleotide variant.
Coding change: c.1381T>C on transcript NM_001134363.3 (MANE Select); coding-DNA position 1381, T replaced by C.
Protein change: p.Cys461Arg; replaces cysteine 461 with arginine.
Molecular consequence: missense variant.
Genome position (GRCh38, 1-based): chr10:110,784,384, T>C. VCF-style: chr10-110784384-T-C. GRCh37 (hg19) VCF-style: chr10-112544142-T-C.
Other names: short protein forms C461R.
Identifiers: ClinVar variation 3674437 (VCV003674437.2).